The following is an entry in ClinVar:

NM_145861.4(EDARADD):c.369C>T (p.Asp123=)

Gene: EDARADD (EDAR associated via death domain; plus strand). Cytogenetic location: 1q43.
Variant type: single nucleotide variant.
Coding change: c.369C>T on transcript NM_145861.4 (MANE Select); coding-DNA position 369, C replaced by T.
Protein change: p.Asp123=; no amino-acid change (aspartic acid 123 retained).
Molecular consequence: synonymous variant.
Genome position (GRCh38, 1-based): chr1:236,482,370, C>T. VCF-style: chr1-236482370-C-T. GRCh37 (hg19) VCF-style: chr1-236645670-C-T.
Other names: c.303C>T, p.Asp101= (NM_001422628.1); c.339C>T, p.Asp113= (NM_080738.5).
Identifiers: ClinVar variation 262602 (VCV000262602.30), dbSNP rs604070, ClinGen allele CA1470070.

ClinVar aggregate classification (germline): Benign/Likely benign. Review status: criteria provided, multiple submitters, no conflicts (2 of 4 stars). 6 submissions from 6 submitters: Benign (5); Likely benign (1). Last evaluated 2026-01-28.

Conditions:
Ectodermal dysplasia 11A, hypohidrotic/hair/tooth type, autosomal dominant. Identifiers: Orphanet 1810, Orphanet 238468, MedGen C3541517, MONDO:0013982, OMIM 614940.
Ectodermal dysplasia 11B, hypohidrotic/hair/tooth type, autosomal recessive. Identifiers: Orphanet 238468, Orphanet 248, MedGen C3539920, MONDO:0013983, OMIM 614941.
Hypohidrotic ectodermal dysplasia (HED). Identifiers: Orphanet 238468, MedGen C5848103, MONDO:0016535, HP:0007607.

Allele frequency attached by ClinVar (database versions not stated): 1000 Genomes Project 0.13319; ExAC 0.20239; 1000 Genomes Project 30x 0.13242; gnomAD 0.18392 and 0.18581; TOPMed 0.17214; ESP Exome Variant Server 0.18968; gnomAD exomes 0.19984 and 0.23308.
gnomAD v4.1: 368,256 of 1,613,874 alleles (23%); highest among the groups gnomAD compares: Non-Finnish European, 25%; 44,850 homozygotes.

Submissions (6):

Labcorp Genetics (formerly Invitae), Labcorp
Classification: Benign for Ectodermal dysplasia 11B, hypohidrotic/hair/tooth type, autosomal recessive; Ectodermal dysplasia 11A, hypohidrotic/hair/tooth type, autosomal dominant. Last evaluated: 2026-01-28. Review status: criteria provided, single submitter. Criteria: Invitae Variant Classification Sherloc (09022015). Collection method: clinical testing. Allele origin: germline.

ARUP Laboratories, Molecular Genetics and Genomics, ARUP Laboratories
Classification: Benign. Last evaluated: 2023-11-11. Review status: criteria provided, single submitter. Criteria: ARUP Molecular Germline Variant Investigation Process 2024. Collection method: clinical testing. Allele origin: germline.

Illumina Laboratory Services, Illumina
Classification: Benign for Hypohidrotic ectodermal dysplasia. Last evaluated: 2018-01-13. Review status: criteria provided, single submitter. Criteria: ICSL Variant Classification Criteria 13 December 2019. Collection method: clinical testing. Allele origin: germline.
Comment: This variant was observed in the ICSL laboratory as part of a predisposition screen in an ostensibly healthy population. It had not been previously curated by ICSL or reported in the Human Gene Mutation Database (HGMD: prior to June 1st, 2018), and was therefore a candidate for classification through an automated scoring system. Utilizing variant allele frequency, disease prevalence and penetrance estimates, and inheritance mode, an automated score was calculated to assess if this variant is too frequent to cause the disease. Based on the score and internal cut-off values, a variant classified as benign is not then subjected to further curation. The score for this variant resulted in a classification of benign for this disease.

GeneDx
Classification: Benign. Last evaluated: 2015-03-03. Review status: criteria provided, single submitter. Criteria: GeneDx Variant Classification Process June 2021. Collection method: clinical testing. Allele origin: germline. Affected: yes.

Breakthrough Genomics
Classification: Likely benign. Review status: criteria provided, single submitter. Criteria: ACMG Guidelines, 2015. Collection method: not provided. Allele origin: germline. Inheritance: Autosomal recessive inheritance. Affected: yes.

PreventionGenetics, part of Exact Sciences
Classification: Benign. Review status: criteria provided, single submitter. Criteria: ACMG Guidelines, 2015. Collection method: clinical testing. Allele origin: germline.